The following is an entry in ClinVar:

NM_004380.3(CREBBP):c.4394G>A (p.Gly1465Glu)

Gene: CREBBP (CREB binding lysine acetyltransferase; minus strand). Cytogenetic location: 16p13.3.
Variant type: single nucleotide variant.
Coding change: c.4394G>A on transcript NM_004380.3 (MANE Select); coding-DNA position 4394, G replaced by A.
Protein change: p.Gly1465Glu; replaces glycine 1465 with glutamic acid.
Molecular consequence: missense variant.
Genome position (GRCh38, 1-based): chr16:3,738,559, C>T on the plus strand (G>A on the coding strand, the complement: CREBBP is on the minus strand). VCF-style: chr16-3738559-C-T. GRCh37 (hg19) VCF-style: chr16-3788560-C-T.
Other names: c.4280G>A, p.Gly1427Glu (NM_001079846.1); short protein forms G1465E, G1427E.
Identifiers: ClinVar variation 527965 (VCV000527965.45), dbSNP rs1555473491, ClinGen allele CA394564268.
Genomic context (GRCh38, chr16:3,738,559, plus strand): 5'-AAACATACAGTAAAAAATAAAGGGTTCTTACTAGTTCCAAATAATTTAATCCAAACTCAC[C>T]CTAATTTCTTCACATACTCTAAATATCCAATAAGGATCTCATGGTAAACGGCTGTGCGGA-3'
Protein context (NP_004371.2, residues 1455-1475): IGYLEYVKKL[Gly1465Glu]YVTGHIWACP

ClinVar aggregate classification (germline): Pathogenic. Review status: criteria provided, multiple submitters, no conflicts (2 of 4 stars). 2 submissions from 2 submitters: Pathogenic (2). Last evaluated 2021-12-01.

Conditions:
Rubinstein-Taybi syndrome (RSTS). Identifiers: Orphanet 783, MedGen C0035934, MONDO:0019188.

Submissions (3):

CeGaT Center for Human Genetics Tuebingen
Classification: Pathogenic. Last evaluated: 2021-12-01. Review status: criteria provided, single submitter. Criteria: CeGaT Center For Human Genetics Tuebingen Variant Classification Criteria Version 2. Collection method: clinical testing. Allele origin: germline. Affected: yes. Observed: 1 variant allele.

Labcorp Genetics (formerly Invitae), Labcorp
Classification: Pathogenic for Rubinstein-Taybi syndrome. Last evaluated: 2019-08-25. Review status: criteria provided, single submitter. Criteria: Invitae Variant Classification Sherloc (09022015). Collection method: clinical testing. Allele origin: germline.
Comment: This variant has been observed in individual(s) with Rubinstein-Taybi syndrome (Invitae). In at least one individual the variant was observed to be de novo. ClinVar contains an entry for this variant (Variation ID: 527965). For these reasons, this variant has been classified as Pathogenic. Nucleotide substitutions within the consensus splice site are a relatively common cause of aberrant splicing (PMID: 17576681, 9536098). Algorithms developed to predict the effect of sequence changes on RNA splicing suggest that this variant may disrupt the consensus splice site, but this prediction has not been confirmed by published transcriptional studies. This variant is not present in population databases (ExAC no frequency). This sequence change replaces glycine with glutamic acid at codon 1465 of the CREBBP protein (p.Gly1465Glu). The glycine residue is highly conserved and there is a moderate physicochemical difference between glycine and glutamic acid. This variant also falls at the last nucleotide of exon 26 of the CREBBP coding sequence, which is part of the consensus splice site for this exon.

Dr. Peter K. Rogan Lab, Western University
No classification provided (evidence only). Condition: Cervical cancer. Review status: no classification provided. Collection method: in vitro. Allele origin: not applicable. Functional consequence: skipped exon, retained intron. Not counted in ClinVar's aggregate classification.

Literature cited by the submitters: PubMed 17576681 (cited by Labcorp Genetics (formerly Invitae), Labcorp); PubMed 9536098 (cited by Labcorp Genetics (formerly Invitae), Labcorp).